The following is an entry in ClinVar:

ClinVar aggregate classification (germline): Uncertain significance (1 of 4 stars; one submission).

Submission:

Labcorp Genetics (formerly Invitae), Labcorp
Classification: Uncertain significance. Last evaluated: 2023-11-10. Review status: criteria provided, single submitter. Criteria: Invitae Variant Classification Sherloc (09022015). Collection method: clinical testing. Allele origin: germline.
Comment: This sequence change falls in intron 40 of the COL4A5 gene. It does not directly change the encoded amino acid sequence of the COL4A5 protein. This variant is not present in population databases (gnomAD no frequency). This variant has not been reported in the literature in individuals affected with COL4A5-related conditions. Experimental studies and prediction algorithms are not available or were not evaluated, and the effect of this variant on mRNA splicing is currently unknown. In summary, the available evidence is currently insufficient to determine the role of this variant in disease. Therefore, it has been classified as a Variant of Uncertain Significance.

NM_033380.3(COL4A5):c.3604+7_3604+27delinsATGCTAAATCAATCTATAATAA

Gene: COL4A5 (collagen type IV alpha 5 chain; plus strand). Cytogenetic location: Xq22.3.
Variant type: Indel.
Coding change: c.3604+7_3604+27delinsATGCTAAATCAATCTATAATAA on transcript NM_033380.3 (MANE Select); bases 7 to 27 of the intron after coding-DNA position 3604, CTTAATAAAACATGCTAAATC replaced by ATGCTAAATCAATCTATAATAA.
Molecular consequence: intron variant.
Genome position (GRCh38, 1-based): chrX:108,667,190-108,667,210, CTTAATAAAACATGCTAAATC replaced by ATGCTAAATCAATCTATAATAA. GRCh37 (hg19): chrX:107,910,420-107,910,440.
Other names: c.3604+7_3604+27delinsATGCTAAATCAATCTATAATAA (NM_000495.5).
Identifiers: ClinVar variation 2694876 (VCV002694876.3), dbSNP rs2524570089, ClinGen allele CA2697544718.